The following is an entry in ClinVar:

NM_005245.4(FAT1):c.4156_4158del (p.Gly1386del)

Genes: FAT1 (FAT atypical cadherin 1; minus strand), LOC132089107 (Neanderthal introgressed variant-containing enhancer experimental_76895; plus strand). Cytogenetic location: 4q35.2.
Variant type: Deletion.
Coding change: c.4156_4158del on transcript NM_005245.4 (MANE Select); coding-DNA positions 4156 to 4158, 3 bases deleted (GGC; older notation c.4156_4158delGGC).
Protein change: p.Gly1386del; deletes glycine 1386.
Molecular consequence: inframe deletion.
Genome position (GRCh38, 1-based): chr4:186,636,050-186,636,052, GCC deleted on the plus strand (GGC on the coding strand, the reverse complement: FAT1 is on the minus strand). VCF-style (leftmost placement, unchanged base first): chr4-186636049-TGCC-T. GRCh37 (hg19) VCF-style: chr4-187557203-TGCC-T.
Other names: c.4156_4158del, p.Gly1386del (NM_001440455.1, NM_001440456.1, NM_001440457.1); short protein forms G1386del.
Identifiers: ClinVar variation 4726293 (VCV004726293.1).
Genomic context (GRCh38, chr4:186,636,049, plus strand): 5'-CCCATACGGACAACGAAAATGAGGGGGAATGCTTACCAGTGATGTCAAACCAAAGGGGTA[TGCC>T]AGGAGGCTCCACAGATATTACTCCAATCATGTGAGCAACGGGGTCACTTTCCATCACAGT-3'

ClinVar aggregate classification (germline): Uncertain significance (1 of 4 stars; one submission).

Submission:

Labcorp Genetics (formerly Invitae), Labcorp
Classification: Uncertain significance. Last evaluated: 2025-08-29. Review status: criteria provided, single submitter. Criteria: Invitae Variant Classification Sherloc (09022015). Collection method: clinical testing. Allele origin: germline.
Comment: This variant, c.4156_4158del, results in the deletion of 1 amino acid(s) of the FAT1 protein (p.Gly1386del), but otherwise preserves the integrity of the reading frame. This variant is not present in population databases (gnomAD no frequency). This variant has not been reported in the literature in individuals affected with FAT1-related conditions. Experimental studies and prediction algorithms are not available or were not evaluated, and the functional significance of this variant is currently unknown. In summary, the available evidence is currently insufficient to determine the role of this variant in disease. Therefore, it has been classified as a Variant of Uncertain Significance.